The following is an entry in ClinVar:

NM_004006.3(DMD):c.31+1G>T

Gene: DMD (dystrophin; minus strand). Cytogenetic location: Xp21.1.
Variant type: single nucleotide variant.
Coding change: c.31+1G>T on transcript NM_004006.3 (MANE Select); the canonical splice donor site of the intron after coding-DNA position 31, G replaced by T.
Molecular consequence: splice donor variant. On other transcripts: intron variant (1).
Genome position (GRCh38, 1-based): chrX:33,211,281, C>A on the plus strand (G>T on the coding strand, the complement: DMD is on the minus strand). VCF-style: chrX-33211281-C-A. GRCh37 (hg19) VCF-style: chrX-33229398-C-A.
Other names: IVS1, G-T, +1; c.7+127978G>T (NM_000109.4).
Identifiers: ClinVar variation 94554 (VCV000094554.25), dbSNP rs398123923, ClinGen allele CA266984.

ClinVar aggregate classification (germline): Pathogenic. Review status: criteria provided, multiple submitters, no conflicts (2 of 4 stars). 11 submissions from 11 submitters: Pathogenic (7). 4 of the submissions do not count toward it. Last evaluated 2025-05-14.

Conditions:
Dilated cardiomyopathy 3B (CMD3B). Also called: CMD3B: DMD-Related Dilated Cardiomyopathy; CARDIOMYOPATHY, DILATED, X-LINKED; DMD-Associated Dilated Cardiomyopathy. Identifiers: Orphanet 154, MedGen C3668940, MONDO:0010542, OMIM 302045.
Becker muscular dystrophy (BMD). Also called: Becker Muscular Dystrophy (BMD); MUSCULAR DYSTROPHY, PSEUDOHYPERTROPHIC PROGRESSIVE, BECKER TYPE. Identifiers: Orphanet 98895, MedGen C0917713, MONDO:0010311, OMIM 300376.
Duchenne muscular dystrophy (DMD). Also called: Duchenne Muscular Dystrophy (DMD); MUSCULAR DYSTROPHY, PSEUDOHYPERTROPHIC PROGRESSIVE, DUCHENNE TYPE. Identifiers: Orphanet 98896, MedGen C0013264, MONDO:0010679, OMIM 310200.
Cardiomyopathy (CMYO). Also called: Cardiomyopathies. Identifiers: Orphanet 167848, MedGen C0878544, MONDO:0004994, HP:0001638. Inheritance: Various modes of inheritance.
Dystrophin deficiency.
Cardiovascular phenotype. Identifiers: MedGen CN230736.

gnomAD v4.1: 1 of 1,208,867 alleles (0.000083%); highest among the groups gnomAD compares: Non-Finnish European, 0.00011%; no homozygotes.

Submissions (11):

Victorian Clinical Genetics Services, Murdoch Childrens Research Institute
Classification: Pathogenic for Becker muscular dystrophy. Last evaluated: 2025-05-14. Review status: criteria provided, single submitter. Criteria: ACMG Guidelines, 2015. Collection method: clinical testing. Allele origin: germline. Affected: no.
Comment: This variant is classified as Pathogenic. Evidence in support of pathogenic classification: Canonical splice site variant without proven consequence on splicing (no functional evidence available); Variant is present in gnomAD <0.01 for a recessive condition (v4: 1 heterozygote(s), 0 homozygote(s), 0 hemizygote(s)); This variant has strong previous evidence of pathogenicity in unrelated individuals. It has been classified as pathogenic by multiple clinical laboratories (ClinVar) and has been reported in individuals with Becker muscular dystrophy (PMIDs: 28859693, 17041906); Abnormal splicing is predicted by in silico tool and affected nucleotide is highly conserved. Additional information: This variant is heterozygous; This gene is associated with X-linked recessive disease. This gene is primarily associated with X-linked recessive disease relating to the muscular dystrophy phenotypes; however, it is also associated with X-linked DCM in heterozygous females (OMIM, PMID: 26066469, 20301298); Alternative nucleotide change(s) at the same canonical splice site are present in gnomAD (highest allele count: v4: 1 heterozygote(s), 0 homozygote(s), 0 hemizygote(s)); Loss of function is a known mechanism of disease in this gene and is associated with Becker muscular dystrophy (MIM#300376), Duchenne muscular dystrophy (MIM#310200) and dilated cardiomyopathy 3B (MIM#302045).

GeneDx
Classification: Pathogenic. Last evaluated: 2025-02-13. Review status: criteria provided, single submitter. Criteria: GeneDx Variant Classification Process June 2021. Collection method: clinical testing. Allele origin: germline. Affected: yes.
Comment: RNA studies demonstrate a damaging effect of this variant in dystrophin levels (PMID: 17826093); Not observed at significant frequency in large population cohorts (gnomAD); Canonical splice site variant predicted to result in a null allele in a gene for which loss of function is a known mechanism of disease; This variant is associated with the following publications: (PMID: 8789442, 12354438, 37671549, 27593222, 32508136, 17826093, 33644936)

Labcorp Genetics (formerly Invitae), Labcorp
Classification: Pathogenic for Duchenne muscular dystrophy. Last evaluated: 2024-10-15. Review status: criteria provided, single submitter. Criteria: Invitae Variant Classification Sherloc (09022015). Collection method: clinical testing. Allele origin: germline.
Comment: This sequence change affects a donor splice site in intron 1 of the DMD gene. It is expected to disrupt RNA splicing. Variants that disrupt the donor or acceptor splice site typically lead to a loss of protein function (PMID: 16199547), and loss-of-function variants in DMD are known to be pathogenic (PMID: 16770791, 25007885). This variant is not present in population databases (gnomAD no frequency). Disruption of this splice site has been observed in individuals with dilated cardiomyopathy and/or DMD-related muscular dystrophy (PMID: 8789442, 12354438, 17041906, 27593222). It has also been observed to segregate with disease in related individuals. This variant is also known as IVS1+1G>T. ClinVar contains an entry for this variant (Variation ID: 94554). Algorithms developed to predict the effect of sequence changes on RNA splicing suggest that this variant may disrupt the consensus splice site. For these reasons, this variant has been classified as Pathogenic.

Laboratory of Medical Genetics, National & Kapodistrian University of Athens
Classification: Pathogenic for Dilated cardiomyopathy 3B. Last evaluated: 2022-12-16. Review status: criteria provided, single submitter. Criteria: ACMG Guidelines, 2015. Collection method: clinical testing. Allele origin: germline. Affected: yes.
Comment: PVS1, PM2, PP5

Ambry Genetics
Classification: Pathogenic for Cardiovascular phenotype. Last evaluated: 2019-08-16. Review status: criteria provided, single submitter. Criteria: Ambry Variant Classification Scheme 2023. Collection method: clinical testing. Allele origin: germline.
Comment: The c.31+1G>T intronic pathogenic mutation results from a G to T substitution one nucleotide after coding exon 1 of the DMD gene. This mutation, also referred to as IVS1+1G>T, has been detected in several individuals presenting with early onset X-linked dilated cardiomyopathy (DCM), often requiring heart transplant, and has also been reported to segregated with DCM in families (Milasin J et al. Hum. Mol. Genet., 1996 Jan;5:73-9; Feng J et al. J. Am. Coll. Cardiol., 2002 Sep;40:1120-4; Neri M et al. Neuromuscul. Disord., 2007 Dec;17:913-8). This mutation has also been detected in dystrophinopathy and Becker Muscular Dystrophy cohorts; however clinical detail was limited (Cho A et al. Muscle Nerve, 2017 05;55:727-734; Okubo M et al. Orphanet J Rare Dis, 2017 08;12:149; Deburgrave N et al. Hum. Mutat., 2007 Feb;28:183-95). Trancscriptional studies from patients with this mutation indicated absence of transcript from the muscle promotor in skeletal and heart muscle, while upregulation of alternate promoters appeared to result in production of other DMD isoforms in skeletal muscle, albeit at reduced levels (Milasin J et al. Hum. Mol. Genet., 1996 Jan;5:73-9; Neri M et al. Neuromuscul. Disord., 2007 Dec;17:913-8). In addition to the clinical data presented in the literature, alterations that disrupt the canonical splice site are expected to cause aberrant splicing, resulting in an abnormal protein or a transcript that is subject to nonsense-mediated mRNA decay. As such, this alteration is classified as a disease-causing mutation.

Revvity Omics, Revvity
Classification: Pathogenic. Last evaluated: 2019-05-31. Review status: criteria provided, single submitter. Criteria: ACMG Guidelines, 2015. Collection method: clinical testing. Allele origin: germline.

Eurofins Ntd Llc (ga)
Classification: Pathogenic. Last evaluated: 2018-03-01. Review status: criteria provided, single submitter. Criteria: EGL ClinVar v180209 classification definitions. Collection method: clinical testing. Allele origin: germline. Observed: 4 variant alleles, 1 heterozygote, 3 hemizygotes.

Natera, Inc.
Classification: Pathogenic for Becker muscular dystrophy; Cardiomyopathy; Duchenne muscular dystrophy; Dystrophin deficiency. Last evaluated: 2017-03-16. Review status: no assertion criteria provided. Collection method: clinical testing. Allele origin: germline. Not counted in ClinVar's aggregate classification.

Clinical Molecular Genetics Laboratory, Johns Hopkins All Children's Hospital
Classification: Pathogenic for Dilated cardiomyopathy 3B. Last evaluated: 2014-08-18. Review status: no assertion criteria provided. Collection method: clinical testing. Allele origin: germline. Affected: yes. Not counted in ClinVar's aggregate classification.

OMIM
Classification: Pathogenic for CARDIOMYOPATHY, DILATED, 3B. Last evaluated: 1996-01-01. Review status: no assertion criteria provided. Collection method: literature only. Allele origin: germline. Not counted in ClinVar's aggregate classification.

KTest Genetics, KTest
Classification: Pathogenic for Dilated cardiomyopathy 3B. Review status: no assertion criteria provided. Criteria: ACMG Guidelines, 2015. Collection method: clinical testing. Allele origin: germline. Affected: yes. Not counted in ClinVar's aggregate classification.

Literature cited by the submitters: PubMed 20301298 (cited by Victorian Clinical Genetics Services, Murdoch Childrens Research Institute); PubMed 28859693 (cited by Victorian Clinical Genetics Services, Murdoch Childrens Research Institute and Ambry Genetics); PubMed 17041906 (cited by 3 submitters); PubMed 26066469 (cited by Victorian Clinical Genetics Services, Murdoch Childrens Research Institute); PubMed 16199547 (cited by Labcorp Genetics (formerly Invitae), Labcorp); PubMed 16770791 (cited by Labcorp Genetics (formerly Invitae), Labcorp); PubMed 25007885 (cited by Labcorp Genetics (formerly Invitae), Labcorp); PubMed 8789442 (cited by 3 submitters); PubMed 12354438 (cited by Labcorp Genetics (formerly Invitae), Labcorp and Ambry Genetics); PubMed 27593222 (cited by Labcorp Genetics (formerly Invitae), Labcorp and Ambry Genetics); PubMed 16049303 (cited by Ambry Genetics); PubMed 17826093 (cited by Ambry Genetics).